The following is an entry in ClinVar:

NM_003041.4(SLC5A2):c.1031C>T (p.Ala344Val)

Gene: SLC5A2 (solute carrier family 5 member 2; plus strand). Cytogenetic location: 16p11.2.
Variant type: single nucleotide variant.
Coding change: c.1031C>T on transcript NM_003041.4 (MANE Select); coding-DNA position 1031, C replaced by T.
Protein change: p.Ala344Val; replaces alanine 344 with valine.
Molecular consequence: missense variant. On other transcripts: non-coding transcript variant (1).
Genome position (GRCh38, 1-based): chr16:31,488,392, C>T. VCF-style: chr16-31488392-C-T. GRCh37 (hg19) VCF-style: chr16-31499713-C-T.
Other names: short protein forms A344V.
Identifiers: ClinVar variation 1325096 (VCV001325096.6), dbSNP rs766548165, ClinGen allele CA8030970.
Genomic context (GRCh38, chr16:31,488,392, plus strand): 5'-GATTCCCAGACCAGGCCCCGTCCTAACGGCGCGGTGGCCTCTCTCTGGCAGACGAGGTGG[C>T]GTGCGTGGTGCCTGAGGTGTGCAGGCGCGTGTGCGGCACGGAGGTGGGCTGCTCCAACAT-3'
Protein context (NP_003032.1, residues 334-354): ISRILYPDEV[Ala344Val]CVVPEVCRRV

ClinVar aggregate classification (germline): Conflicting classifications of pathogenicity. Review status: criteria provided, conflicting classifications (1 of 4 stars). 3 submissions from 3 submitters: Likely pathogenic (1); Uncertain significance (2). Last evaluated 2024-01-08.

Conditions:
Familial renal glucosuria (GLYS). Also called: RENAL GLUCOSURIA, AUTOSOMAL DOMINANT; Familial renal glycosuria. Identifiers: Orphanet 69076, MedGen C3245525, MONDO:0009297, OMIM 233100.

Allele frequency attached by ClinVar (database versions not stated): gnomAD 0.00001; gnomAD exomes 0.00002 and 0.00004; ExAC 0.00004.

Submissions (3):

MVZ Medizinische Genetik Mainz
Classification: Uncertain significance for Familial renal glucosuria. Last evaluated: 2024-01-08. Review status: criteria provided, single submitter. Criteria: UK Practice Guidelines For Variant Classification V4 01 2020. Collection method: clinical testing. Allele origin: germline. Inheritance: Autosomal recessive inheritance. Affected: yes. Observed: 1 variant allele.
Comment: ACMG Criteria: PM3,PS3_SUP,PM2_SUP,PP4

Revvity Omics, Revvity
Classification: Uncertain significance for Familial renal glucosuria. Last evaluated: 2023-01-19. Review status: criteria provided, single submitter. Criteria: ACMG Guidelines, 2015. Collection method: clinical testing. Allele origin: germline.

Fulgent Genetics
Classification: Likely pathogenic for Familial renal glucosuria. Last evaluated: 2021-11-29. Review status: criteria provided, single submitter. Criteria: ACMG Guidelines, 2015. Collection method: clinical testing. Allele origin: unknown.